The following is an entry in ClinVar:

ClinVar aggregate classification (germline): Likely benign (1 of 4 stars; one submission).

Conditions:
ATP11A-related disorder. Also called: ATP11A-related condition.

gnomAD v4.1: 17 of 1,612,680 alleles (0.0011%); highest among the groups gnomAD compares: South Asian, 0.0044%; no homozygotes.

Submission:

PreventionGenetics, part of Exact Sciences
Classification: Likely benign for ATP11A-related condition. Last evaluated: 2025-01-18. Review status: criteria provided, single submitter. Criteria: ACMG Guidelines, 2015. Collection method: clinical testing. Allele origin: germline.
Comment: This variant is classified as likely benign based on ACMG/AMP sequence variant interpretation guidelines (Richards et al. 2015 PMID: 25741868, with internal and published modifications).

NM_015205.3(ATP11A):c.1401C>T (p.Arg467=)

Gene: ATP11A (ATPase phospholipid transporting 11A; plus strand). Cytogenetic location: 13q34.
Variant type: single nucleotide variant.
Coding change: c.1401C>T on transcript NM_015205.3 (MANE Select); coding-DNA position 1401, C replaced by T.
Protein change: p.Arg467=; no amino-acid change (arginine 467 retained).
Molecular consequence: synonymous variant.
Genome position (GRCh38, 1-based): chr13:112,832,865, C>T. VCF-style: chr13-112832865-C-T. GRCh37 (hg19) VCF-style: chr13-113487179-C-T.
Other names: c.1401C>T, p.Arg467= (NM_001405661.1, NM_001405662.1, NM_001405663.1 and 1 more transcripts).
Identifiers: ClinVar variation 4980129 (VCV004980129.1).